The following is an entry in ClinVar:

NM_199242.3(UNC13D):c.511_514dup (p.Arg172fs)

Gene: UNC13D (unc-13 homolog D; minus strand). Cytogenetic location: 17q25.1.
Variant type: Duplication.
Coding change: c.511_514dup on transcript NM_199242.3 (MANE Select); coding-DNA positions 511 to 514, 4 bases duplicated (CACC; older notation c.511_514dupCACC).
Protein change: p.Arg172fs; shifts the reading frame from arginine 172.
Molecular consequence: frameshift variant.
Genome position (GRCh38, 1-based): chr17:75,842,488-75,842,491, GGTG duplicated on the plus strand (CACC on the coding strand, the reverse complement: UNC13D is on the minus strand); duplicating any 4 consecutive bases within chr17:75,842,488-75,842,494 gives the same sequence; the c. name uses the placement nearest the transcript's 3' end. VCF-style (leftmost placement, unchanged base first): chr17-75842487-C-CGGTG. GRCh37 (hg19) VCF-style: chr17-73838568-C-CGGTG.
Other names: short protein forms R172fs.
Identifiers: ClinVar variation 4292572 (VCV004292572.1).

ClinVar aggregate classification (germline): Likely pathogenic (1 of 4 stars; one submission).

Conditions:
Familial hemophagocytic lymphohistiocytosis 3 (FHL3). Also called: UNC13D-Related Familial Hemophagocytic Lymphohistiocytosis (UNC13D-fHLH). Identifiers: Orphanet 540, MedGen C1837174, MONDO:0012146, OMIM 608898.

Submission:

3billion
Classification: Likely pathogenic for Familial hemophagocytic lymphohistiocytosis 3. Last evaluated: 2025-02-18. Review status: criteria provided, single submitter. Criteria: ACMG Guidelines, 2015. Collection method: clinical testing. Allele origin: germline. Affected: yes.
Comment: The variant is not observed in the gnomAD v4.1.0 dataset. Predicted Consequence/Location: Frameshift: predicted to result in a loss or disruption of normal protein function through nonsense-mediated decay (NMD) or protein truncation. Multiple pathogenic variants are reported downstream of the variant. Therefore, this variant is classified as Likely pathogenic according to the recommendation of ACMG/AMP guideline.